The following is an entry in ClinVar:

NM_001348768.2(HECW2):c.983A>C (p.Glu328Ala)

Gene: HECW2 (HECT, C2 and WW domain containing E3 ubiquitin protein ligase 2; minus strand). Cytogenetic location: 2q32.3.
Variant type: single nucleotide variant.
Coding change: c.983A>C on transcript NM_001348768.2 (MANE Select); coding-DNA position 983, A replaced by C.
Protein change: p.Glu328Ala; replaces glutamic acid 328 with alanine.
Molecular consequence: missense variant. On other transcripts: intron variant (1).
Genome position (GRCh38, 1-based): chr2:196,320,341, T>G on the plus strand (A>C on the coding strand, the complement: HECW2 is on the minus strand). VCF-style: chr2-196320341-T-G. GRCh37 (hg19) VCF-style: chr2-197185065-T-G.
Other names: c.983A>C, p.Glu328Ala (NM_020760.4); c.-83-437A>C (NM_001304840.3); short protein forms E328A.
Identifiers: ClinVar variation 2432397 (VCV002432397.4), dbSNP rs1270505010, ClinGen allele CA349967612.

ClinVar aggregate classification (germline): Uncertain significance. Review status: criteria provided, multiple submitters, no conflicts (2 of 4 stars). 2 submissions from 2 submitters: Uncertain significance (2). Last evaluated 2026-08-06.

Conditions:
Neurodevelopmental disorder with hypotonia, seizures, and absent language (NDHSAL). Identifiers: MedGen C4310643, MONDO:0014995, OMIM 617268.

Allele frequency attached by ClinVar (database versions not stated): gnomAD 0.00001.

Submissions (2):

OLLIN Analises Genomicas, OLLIN
Classification: Uncertain significance for Neurodevelopmental disorder with hypotonia, seizures, and absent language. Last evaluated: 2026-08-06. Review status: criteria provided, single submitter. Criteria: ACMG Guidelines 2015 PMID 25741868. Collection method: clinical testing. Allele origin: germline. Inheritance: Autosomal dominant inheritance.
Comment: This missense variant, located in exon 8 (of 29), has been reported in ClinVar (accession VCV002432397.3) and in gnomAD with an allele frequency of 0.000063%. However, to our knowledge, it has not been reported in the scientific literature. In silico analysis predicts that this variant has a tolerated effect. This gene is constrained for missense variation. According to the currently available evidence, this variant has been classified as uncertain significance (PP2, BP4_M).

Revvity Omics, Revvity
Classification: Uncertain significance for Neurodevelopmental disorder with hypotonia, seizures, and absent language. Last evaluated: 2023-05-15. Review status: criteria provided, single submitter. Criteria: ACMG Guidelines, 2015. Collection method: clinical testing. Allele origin: germline.